The following is an entry in ClinVar:

ClinVar aggregate classification (germline): Pathogenic (1 of 4 stars; one submission).

Conditions:
Developmental and epileptic encephalopathy, 54. Also called: Epileptic encephalopathy, early infantile, 54; HNRNPU-Related Neurodevelopmental Disorder. Identifiers: MedGen C4479319, MONDO:0033363, OMIM 617391.

Submission:

Labcorp Genetics (formerly Invitae), Labcorp
Classification: Pathogenic for Developmental and epileptic encephalopathy, 54. Last evaluated: 2023-10-09. Review status: criteria provided, single submitter. Criteria: Invitae Variant Classification Sherloc (09022015). Collection method: clinical testing. Allele origin: germline.
Comment: This sequence change replaces glycine, which is neutral and non-polar, with valine, which is neutral and non-polar, at codon 362 of the HNRNPU protein (p.Gly362Val). This variant is not present in population databases (gnomAD no frequency). This missense change has been observed in individual(s) with clinical features of developmental and epileptic encephalopathy (Invitae). In at least one individual the variant was observed to be de novo. Advanced modeling of protein sequence and biophysical properties (such as structural, functional, and spatial information, amino acid conservation, physicochemical variation, residue mobility, and thermodynamic stability) performed at Invitae indicates that this missense variant is expected to disrupt HNRNPU protein function. For these reasons, this variant has been classified as Pathogenic.

NM_031844.3(HNRNPU):c.1085G>T (p.Gly362Val)

Gene: HNRNPU (heterogeneous nuclear ribonucleoprotein U; minus strand). Cytogenetic location: 1q44.
Variant type: single nucleotide variant.
Coding change: c.1085G>T on transcript NM_031844.3 (MANE Select); coding-DNA position 1085, G replaced by T.
Protein change: p.Gly362Val; replaces glycine 362 with valine.
Molecular consequence: missense variant.
Genome position (GRCh38, 1-based): chr1:244,859,307, C>A on the plus strand (G>T on the coding strand, the complement: HNRNPU is on the minus strand). VCF-style: chr1-244859307-C-A. GRCh37 (hg19) VCF-style: chr1-245022609-C-A.
Other names: c.1028G>T, p.Gly343Val (NM_004501.3); short protein forms G362V, G343V.
Identifiers: ClinVar variation 2822962 (VCV002822962.3), dbSNP rs2527882185, ClinGen allele CA345493096.